The following is an entry in ClinVar:

NM_018714.3(COG1):c.522T>C (p.Pro174=)

Gene: COG1 (component of oligomeric golgi complex 1; plus strand). Cytogenetic location: 17q25.1.
Variant type: single nucleotide variant.
Coding change: c.522T>C on transcript NM_018714.3 (MANE Select); coding-DNA position 522, T replaced by C.
Protein change: p.Pro174=; no amino-acid change (proline 174 retained).
Molecular consequence: synonymous variant.
Genome position (GRCh38, 1-based): chr17:73,196,713, T>C. VCF-style: chr17-73196713-T-C. GRCh37 (hg19) VCF-style: chr17-71192852-T-C.
Identifiers: ClinVar variation 324961 (VCV000324961.15), dbSNP rs75460067, ClinGen allele CA8739979.

ClinVar aggregate classification (germline): Benign/Likely benign. Review status: criteria provided, multiple submitters, no conflicts (2 of 4 stars). 2 submissions from 2 submitters: Benign (1); Likely benign (1). Last evaluated 2026-01-26.

Conditions:
COG1 congenital disorder of glycosylation (CDG2G). Also called: CONGENITAL DISORDER OF GLYCOSYLATION, TYPE IIg; CDG IIg; CDGII/COG1 CEREBROCOSTOMANDIBULAR-LIKE SYNDROME. Identifiers: Orphanet 263508, MedGen C2931011, MONDO:0012637, OMIM 611209.

Allele frequency attached by ClinVar (database versions not stated): ESP Exome Variant Server 0.00069; TOPMed 0.00112; gnomAD exomes 0.00330 and 0.00709; gnomAD 0.00469 and 0.00487; 1000 Genomes Project 30x 0.00593; 1000 Genomes Project 0.00639; ExAC 0.00681.
gnomAD v4.1: 5,609 of 1,614,118 alleles (0.35%); highest among the groups gnomAD compares: East Asian, 3.3%; 100 homozygotes.

Submissions (2):

Labcorp Genetics (formerly Invitae), Labcorp
Classification: Benign for COG1 congenital disorder of glycosylation. Last evaluated: 2026-01-26. Review status: criteria provided, single submitter. Criteria: Invitae Variant Classification Sherloc (09022015). Collection method: clinical testing. Allele origin: germline.

Illumina Laboratory Services, Illumina
Classification: Likely benign for COG1 congenital disorder of glycosylation. Last evaluated: 2018-01-12. Review status: criteria provided, single submitter. Criteria: ICSL Variant Classification Criteria 13 December 2019. Collection method: clinical testing. Allele origin: germline.
Comment: This variant was observed in the ICSL laboratory as part of a predisposition screen in an ostensibly healthy population. It had not been previously curated by ICSL or reported in the Human Gene Mutation Database (HGMD: prior to June 1st, 2018), and was therefore a candidate for classification through an automated scoring system. Utilizing variant allele frequency, disease prevalence and penetrance estimates, and inheritance mode, an automated score was calculated to assess if this variant is too frequent to cause the disease. Based on the score and internal cut-off values, a variant classified as likely benign is not then subjected to further curation. The score for this variant resulted in a classification of likely benign for this disease.